The following is an entry in ClinVar:

NM_019109.5(ALG1):c.1059C>A (p.Tyr353Ter)

Gene: ALG1 (ALG1 chitobiosyldiphosphodolichol beta-mannosyltransferase; plus strand). Cytogenetic location: 16p13.3.
Variant type: single nucleotide variant.
Coding change: c.1059C>A on transcript NM_019109.5 (MANE Select); coding-DNA position 1059, C replaced by A.
Protein change: p.Tyr353Ter; replaces tyrosine 353 with a stop codon.
Molecular consequence: nonsense.
Genome position (GRCh38, 1-based): chr16:5,081,043, C>A. VCF-style: chr16-5081043-C-A. GRCh37 (hg19) VCF-style: chr16-5131044-C-A.
Other names: c.726C>A, p.Tyr242Ter (NM_001330504.2); short protein forms Y353*, Y242*.
Identifiers: ClinVar variation 2825545 (VCV002825545.7), dbSNP rs1957009416, ClinGen allele CA394673115.
Genomic context (GRCh38, chr16:5,081,043, plus strand): 5'-CCACCAGAAGCACTTCCAGCACATCCAGGTCTGCACCCCCTGGCTGGAGGCCGAGGACTA[C>A]CCCCTGCTTCTAGGTGAGAGGCCAGCAGGAGGCTCAGGGAGGAGGCGGGGGGAACAGGGT-3'

ClinVar aggregate classification (germline): Pathogenic/Likely pathogenic. Review status: criteria provided, multiple submitters, no conflicts (2 of 4 stars). 3 submissions from 3 submitters: Pathogenic (1); Likely pathogenic (2). Last evaluated 2024-02-08.

Conditions:
ALG1-congenital disorder of glycosylation. Also called: ALG1-CDG; CONGENITAL DISORDER OF GLYCOSYLATION, TYPE Ik; CDG Ik. Identifiers: Orphanet 79327, MedGen C2931005, MONDO:0012052, OMIM 608540.

gnomAD v4.1: 2 of 1,596,320 alleles (0.00013%); highest among the groups gnomAD compares: East Asian, 0.0022%; no homozygotes.

Submissions (3):

Fulgent Genetics
Classification: Likely pathogenic for ALG1-congenital disorder of glycosylation. Last evaluated: 2024-02-08. Review status: criteria provided, single submitter. Criteria: ACMG Guidelines, 2015. Collection method: clinical testing. Allele origin: germline.

Labcorp Genetics (formerly Invitae), Labcorp
Classification: Pathogenic for ALG1-congenital disorder of glycosylation. Last evaluated: 2023-09-27. Review status: criteria provided, single submitter. Criteria: Invitae Variant Classification Sherloc (09022015). Collection method: clinical testing. Allele origin: germline.
Comment: For these reasons, this variant has been classified as Pathogenic. This sequence change creates a premature translational stop signal (p.Tyr353*) in the ALG1 gene. It is expected to result in an absent or disrupted protein product. Loss-of-function variants in ALG1 are known to be pathogenic (PMID: 20679665, 23806237). This variant is not present in population databases (gnomAD no frequency). This variant has not been reported in the literature in individuals affected with ALG1-related conditions.

Juno Genomics, Hangzhou Juno Genomics, Inc
Classification: Likely pathogenic for ALG1-congenital disorder of glycosylation. Review status: criteria provided, single submitter. Criteria: ACMG Guidelines, 2015. Collection method: clinical testing. Allele origin: germline.
Comment: Null variant in a gene where loss of function (LOF) is a known mechanism of disease.;Absent from controls (or at extremely low frequency if recessive) in Genome Aggregation Database.

Literature cited by the submitters: PubMed 20679665 (cited by Labcorp Genetics (formerly Invitae), Labcorp); PubMed 23806237 (cited by Labcorp Genetics (formerly Invitae), Labcorp).